The following is an entry in ClinVar:

ClinVar aggregate classification (germline): Uncertain significance (1 of 4 stars; one submission).

Conditions:
Creatine transporter deficiency (CCDS1). Also called: Creatine Transporter (CRTR) Deficiency; Mental retardation , X-linked with seizures, short stature and midface hypoplasia; Mental retardation , X-linked, with creatine transport deficiency; X-linked creatine transporter deficiency; X-linked creatine deficiency syndrome; SLC6A8-Related Creatine Transporter Deficiency. Identifiers: Orphanet 52503, MedGen C1845862, MONDO:0010305, OMIM 300352.

Submission:

Labcorp Genetics (formerly Invitae), Labcorp
Classification: Uncertain significance for Creatine transporter deficiency. Last evaluated: 2019-09-20. Review status: criteria provided, single submitter. Criteria: Invitae Variant Classification Sherloc (09022015). Collection method: clinical testing. Allele origin: germline.
Comment: Algorithms developed to predict the effect of missense changes on protein structure and function are either unavailable or do not agree on the potential impact of this missense change (SIFT: "Deleterious"; PolyPhen-2: "Possibly Damaging"; Align-GVGD: "Class C15"). This variant has not been reported in the literature in individuals with SLC6A8-related conditions. This variant is not present in population databases (ExAC no frequency). This sequence change replaces aspartic acid with asparagine at codon 501 of the SLC6A8 protein (p.Asp501Asn). The aspartic acid residue is highly conserved and there is a small physicochemical difference between aspartic acid and asparagine. In summary, the available evidence is currently insufficient to determine the role of this variant in disease. Therefore, it has been classified as a Variant of Uncertain Significance.

NM_005629.4(SLC6A8):c.1501G>A (p.Asp501Asn)

Gene: SLC6A8 (solute carrier family 6 member 8; plus strand). Cytogenetic location: Xq28.
Variant type: single nucleotide variant.
Coding change: c.1501G>A on transcript NM_005629.4 (MANE Select); coding-DNA position 1501, G replaced by A.
Protein change: p.Asp501Asn; replaces aspartic acid 501 with asparagine.
Molecular consequence: missense variant.
Genome position (GRCh38, 1-based): chrX:153,694,538, G>A. VCF-style: chrX-153694538-G-A. GRCh37 (hg19) VCF-style: chrX-152959993-G-A.
Other names: c.1471G>A, p.Asp491Asn (NM_001142805.2); c.1156G>A, p.Asp386Asn (NM_001142806.1); short protein forms D386N, D491N, D501N.
Identifiers: ClinVar variation 958362 (VCV000958362.9), dbSNP rs2091476989, ClinGen allele CA415088071.